The following is an entry in ClinVar:

ClinVar aggregate classification (germline): Uncertain significance. Review status: criteria provided, multiple submitters, no conflicts (2 of 4 stars). 2 submissions from 2 submitters: Uncertain significance (2). Last evaluated 2026-02-01.

Conditions:
Inborn genetic diseases. Identifiers: MedGen C0950123, MeSH D030342.

Allele frequency attached by ClinVar (database versions not stated): ExAC 0.00002; gnomAD 0.00003; TOPMed 0.00005; ESP Exome Variant Server 0.00008.
gnomAD v4.1: 78 of 1,599,946 alleles (0.0049%); highest among the groups gnomAD compares: Non-Finnish European, 0.0061%; no homozygotes.

Submissions (2):

Labcorp Genetics (formerly Invitae), Labcorp
Classification: Uncertain significance. Last evaluated: 2026-02-01. Review status: criteria provided, single submitter. Criteria: Invitae Variant Classification Sherloc (09022015). Collection method: clinical testing. Allele origin: germline.
Comment: This sequence change replaces cysteine, which is neutral and slightly polar, with serine, which is neutral and polar, at codon 2802 of the COL7A1 protein (p.Cys2802Ser). This variant is present in population databases (rs372679634, gnomAD 0.004%). This variant has not been reported in the literature in individuals affected with COL7A1-related conditions. ClinVar contains an entry for this variant (Variation ID: 2168542). Invitae Evidence Modeling of protein sequence and biophysical properties (such as structural, functional, and spatial information, amino acid conservation, physicochemical variation, residue mobility, and thermodynamic stability) has been performed for this missense variant. However, the output from this modeling did not meet the statistical confidence thresholds required to predict the impact of this variant on COL7A1 protein function. In summary, the available evidence is currently insufficient to determine the role of this variant in disease. Therefore, it has been classified as a Variant of Uncertain Significance.

Ambry Genetics
Classification: Uncertain significance for Inborn genetic diseases. Last evaluated: 2024-08-11. Review status: criteria provided, single submitter. Criteria: Ambry Variant Classification Scheme 2023. Collection method: clinical testing. Allele origin: germline.

NM_000094.4(COL7A1):c.8405G>C (p.Cys2802Ser)

Gene: COL7A1 (collagen type VII alpha 1 chain; minus strand). Cytogenetic location: 3p21.31.
Variant type: single nucleotide variant.
Coding change: c.8405G>C on transcript NM_000094.4 (MANE Select); coding-DNA position 8405, G replaced by C.
Protein change: p.Cys2802Ser; replaces cysteine 2802 with serine.
Molecular consequence: missense variant.
Genome position (GRCh38, 1-based): chr3:48,566,269, C>G on the plus strand (G>C on the coding strand, the complement: COL7A1 is on the minus strand). VCF-style: chr3-48566269-C-G. GRCh37 (hg19) VCF-style: chr3-48603702-C-G.
Other names: short protein forms C2802S.
Identifiers: ClinVar variation 2168542 (VCV002168542.4), dbSNP rs372679634, ClinGen allele CA2378038.